The following is an entry in ClinVar:

ClinVar aggregate classification (germline): Conflicting classifications of pathogenicity. Review status: criteria provided, conflicting classifications (1 of 4 stars). 2 submissions from 2 submitters: Uncertain significance (1); Likely benign (1). Last evaluated 2026-01-27.

Conditions:
Cardiovascular phenotype. Identifiers: MedGen CN230736.

Allele frequency attached by ClinVar (database versions not stated): gnomAD 0.00001; TOPMed 0.00001.
gnomAD v4.1: 11 of 1,607,972 alleles (0.00068%); highest among the groups gnomAD compares: Non-Finnish European, 0.00094%; no homozygotes.

Submissions (2):

Labcorp Genetics (formerly Invitae), Labcorp
Classification: Uncertain significance. Last evaluated: 2026-01-27. Review status: criteria provided, single submitter. Criteria: Invitae Variant Classification Sherloc (09022015). Collection method: clinical testing. Allele origin: germline.
Comment: This sequence change replaces glycine, which is neutral and non-polar, with alanine, which is neutral and non-polar, at codon 1182 of the ALPK3 protein (p.Gly1182Ala). This variant is present in population databases (rs201817336, gnomAD 0.0009%). This variant has not been reported in the literature in individuals affected with ALPK3-related conditions. ClinVar contains an entry for this variant (Variation ID: 2727573). Invitae Evidence Modeling of protein sequence and biophysical properties (such as structural, functional, and spatial information, amino acid conservation, physicochemical variation, residue mobility, and thermodynamic stability) indicates that this missense variant is not expected to disrupt ALPK3 protein function with a negative predictive value of 80%. In summary, the available evidence is currently insufficient to determine the role of this variant in disease. Therefore, it has been classified as a Variant of Uncertain Significance.

Ambry Genetics
Classification: Likely benign for Cardiovascular phenotype. Last evaluated: 2026-01-21. Review status: criteria provided, single submitter. Criteria: Ambry Variant Classification Scheme 2023. Collection method: clinical testing. Allele origin: germline.

NM_020778.5(ALPK3):c.2939G>C (p.Gly980Ala)

Gene: ALPK3 (alpha kinase 3; plus strand). Cytogenetic location: 15q25.3.
Variant type: single nucleotide variant.
Coding change: c.2939G>C on transcript NM_020778.5 (MANE Select); coding-DNA position 2939, G replaced by C.
Protein change: p.Gly980Ala; replaces glycine 980 with alanine.
Molecular consequence: missense variant.
Genome position (GRCh38, 1-based): chr15:84,857,677, G>C. VCF-style: chr15-84857677-G-C. GRCh37 (hg19) VCF-style: chr15-85400908-G-C.
Other names: c.3545G>C (NM_020778.4); short protein forms G980A.
Identifiers: ClinVar variation 2727573 (VCV002727573.4), dbSNP rs201817336, ClinGen allele CA273624916.